The following is an entry in ClinVar:

NM_000038.6(APC):c.3871C>G (p.Gln1291Glu)

Gene: APC (APC regulator of Wnt signaling pathway; plus strand). Cytogenetic location: 5q22.2.
Variant type: single nucleotide variant.
Coding change: c.3871C>G on transcript NM_000038.6 (MANE Select); coding-DNA position 3871, C replaced by G.
Protein change: p.Gln1291Glu; replaces glutamine 1291 with glutamic acid.
Molecular consequence: missense variant.
Genome position (GRCh38, 1-based): chr5:112,839,465, C>G. VCF-style: chr5-112839465-C-G. GRCh37 (hg19) VCF-style: chr5-112175162-C-G.
Other names: c.3871C>G, p.Gln1291Glu (NM_001127510.3, NM_001354895.2); c.3817C>G, p.Gln1273Glu (NM_001127511.3); c.3925C>G, p.Gln1309Glu (NM_001354896.2); c.3901C>G, p.Gln1301Glu (NM_001354897.2); c.3796C>G, p.Gln1266Glu (NM_001354898.2); c.3787C>G, p.Gln1263Glu (NM_001354899.2); c.3748C>G, p.Gln1250Glu (NM_001354900.2); c.3694C>G, p.Gln1232Glu (NM_001354901.2); and 6 more; short protein forms Q1165E, Q1273E, Q1131E, Q1232E, Q1250E, Q1309E, Q1190E, Q1200E.
Identifiers: ClinVar variation 1404950 (VCV001404950.9), dbSNP rs1561588104, ClinGen allele CA16029826.

ClinVar aggregate classification (germline): Uncertain significance. Review status: criteria provided, multiple submitters, no conflicts (2 of 4 stars). 2 submissions from 2 submitters: Uncertain significance (2). Last evaluated 2025-01-24.

Conditions:
Hereditary cancer-predisposing syndrome. Also called: Hereditary neoplastic syndrome; Hereditary Cancer Syndrome; Neoplastic Syndromes, Hereditary; Tumor predisposition. Identifiers: Orphanet 140162, MedGen C0027672, MeSH D009386, MONDO:0015356.
Familial adenomatous polyposis 1 (FAP1). Also called: POLYPOSIS, ADENOMATOUS INTESTINAL; FAMILIAL ADENOMATOUS POLYPOSIS 1, ATTENUATED. Identifiers: MedGen C2713442, MONDO:0021056, OMIM 175100. Disease mechanism: loss of function.

Submissions (2):

Ambry Genetics
Classification: Uncertain significance for Hereditary cancer-predisposing syndrome. Last evaluated: 2025-01-24. Review status: criteria provided, single submitter. Criteria: Ambry Variant Classification Scheme 2023. Collection method: clinical testing. Allele origin: germline.
Comment: The p.Q1291E variant (also known as c.3871C>G), located in coding exon 15 of the APC gene, results from a C to G substitution at nucleotide position 3871. The glutamine at codon 1291 is replaced by glutamic acid, an amino acid with highly similar properties. This alteration has been identified in an Israeli cohort of patients referred for APC genetic testing (Gavert, N et al. Hum Mutat 2002 Jun;19(6):664). This amino acid position is well conserved in available vertebrate species. In addition, in silico predictors for this gene do not accurately predict pathogenicity. Based on the available evidence, the clinical significance of this variant remains unclear.

Labcorp Genetics (formerly Invitae), Labcorp
Classification: Uncertain significance for Familial adenomatous polyposis 1. Last evaluated: 2023-07-17. Review status: criteria provided, single submitter. Criteria: Invitae Variant Classification Sherloc (09022015). Collection method: clinical testing. Allele origin: germline.
Comment: This missense change has been observed in individual(s) with clinical features of familial adenomatous polyposis (PMID: 12007223). This variant is not present in population databases (gnomAD no frequency). This sequence change replaces glutamine, which is neutral and polar, with glutamic acid, which is acidic and polar, at codon 1291 of the APC protein (p.Gln1291Glu). ClinVar contains an entry for this variant (Variation ID: 1404950). In summary, the available evidence is currently insufficient to determine the role of this variant in disease. Therefore, it has been classified as a Variant of Uncertain Significance. Advanced modeling of protein sequence and biophysical properties (such as structural, functional, and spatial information, amino acid conservation, physicochemical variation, residue mobility, and thermodynamic stability) performed at Invitae indicates that this missense variant is not expected to disrupt APC protein function.

Literature cited by the submitters: PubMed 12007223 (cited by Ambry Genetics and Labcorp Genetics (formerly Invitae), Labcorp).